The following is an entry in ClinVar:

NM_000302.4(PLOD1):c.704C>A (p.Thr235Asn)

Gene: PLOD1 (procollagen-lysine,2-oxoglutarate 5-dioxygenase 1; plus strand). Cytogenetic location: 1p36.22.
Variant type: single nucleotide variant.
Coding change: c.704C>A on transcript NM_000302.4 (MANE Select); coding-DNA position 704, C replaced by A.
Protein change: p.Thr235Asn; replaces threonine 235 with asparagine.
Molecular consequence: missense variant.
Genome position (GRCh38, 1-based): chr1:11,956,977, C>A. VCF-style: chr1-11956977-C-A. GRCh37 (hg19) VCF-style: chr1-12017034-C-A.
Other names: c.845C>A, p.Thr282Asn (NM_001316320.2); short protein forms T235N, T282N.
Identifiers: ClinVar variation 862972 (VCV000862972.10), dbSNP rs1645742510, ClinGen allele CA338431206.

ClinVar aggregate classification (germline): Uncertain significance (1 of 4 stars; one submission).

Conditions:
Ehlers-Danlos syndrome, kyphoscoliotic type 1 (EDSKSCL1). Also called: Ehlers-Danlos syndrome, hydroxylysine-deficient; EHLERS-DANLOS SYNDROME, OCULAR-SCOLIOTIC TYPE; PLOD1-Related Kyphoscoliotic Ehlers-Danlos Syndrome; EHLERS-DANLOS SYNDROME, TYPE VIA. Identifiers: Orphanet 1900, MedGen C0268342, MONDO:0016002, OMIM 225400. Disease mechanism: loss of function.

Submission:

Labcorp Genetics (formerly Invitae), Labcorp
Classification: Uncertain significance for Ehlers-Danlos syndrome, kyphoscoliotic type 1. Last evaluated: 2019-12-03. Review status: criteria provided, single submitter. Criteria: Invitae Variant Classification Sherloc (09022015). Collection method: clinical testing. Allele origin: germline.
Comment: In summary, the available evidence is currently insufficient to determine the role of this variant in disease. Therefore, it has been classified as a Variant of Uncertain Significance. Algorithms developed to predict the effect of missense changes on protein structure and function (SIFT, PolyPhen-2, Align-GVGD) all suggest that this variant is likely to be disruptive, but these predictions have not been confirmed by published functional studies and their clinical significance is uncertain. This variant has not been reported in the literature in individuals with PLOD1-related conditions. This variant is not present in population databases (ExAC no frequency). This sequence change replaces threonine with asparagine at codon 235 of the PLOD1 protein (p.Thr235Asn). The threonine residue is highly conserved and there is a small physicochemical difference between threonine and asparagine.